The following is an entry in ClinVar:

ClinVar aggregate classification (germline): Uncertain significance (1 of 4 stars; one submission).

Conditions:
Cohen syndrome (COH1). Also called: PEPPER SYNDROME; Cutis verticis gyrata, retinitis pigmentosa, and sensorineural deafness. Identifiers: Orphanet 193, MedGen C0265223, MONDO:0008999, OMIM 216550.

Allele frequency attached by ClinVar (database versions not stated): gnomAD exomes below 0.00001; TOPMed below 0.00001; ExAC 0.00001.
gnomAD v4.1: 2 of 1,603,602 alleles (0.00012%); highest among the groups gnomAD compares: East Asian, 0.0045%; no homozygotes.

Submission:

Labcorp Genetics (formerly Invitae), Labcorp
Classification: Uncertain significance for Cohen syndrome. Last evaluated: 2022-06-15. Review status: criteria provided, single submitter. Criteria: Invitae Variant Classification Sherloc (09022015). Collection method: clinical testing. Allele origin: germline.
Comment: This sequence change replaces glutamic acid, which is acidic and polar, with glycine, which is neutral and non-polar, at codon 243 of the VPS13B protein (p.Glu243Gly). This variant is present in population databases (rs770736283, gnomAD 0.01%). This variant has not been reported in the literature in individuals affected with VPS13B-related conditions. Algorithms developed to predict the effect of missense changes on protein structure and function are either unavailable or do not agree on the potential impact of this missense change (SIFT: "Not Available"; PolyPhen-2: "Benign"; Align-GVGD: "Not Available"). In summary, the available evidence is currently insufficient to determine the role of this variant in disease. Therefore, it has been classified as a Variant of Uncertain Significance.

NM_152564.5(VPS13B):c.728A>G (p.Glu243Gly)

Gene: VPS13B (vacuolar protein sorting 13 homolog B; plus strand). Cytogenetic location: 8q22.2.
Variant type: single nucleotide variant.
Coding change: c.728A>G on transcript NM_152564.5 (MANE Select); coding-DNA position 728, A replaced by G.
Protein change: p.Glu243Gly; replaces glutamic acid 243 with glycine.
Molecular consequence: missense variant. On other transcripts: non-coding transcript variant (1).
Genome position (GRCh38, 1-based): chr8:99,111,245, A>G. VCF-style: chr8-99111245-A-G. GRCh37 (hg19) VCF-style: chr8-100123473-A-G.
Other names: c.728A>G, p.Glu243Gly (NM_015243.3, NM_017890.5, NM_181661.3); short protein forms E243G.
Identifiers: ClinVar variation 2184449 (VCV002184449.1), dbSNP rs770736283, ClinGen allele CA4822456.